The following is an entry in ClinVar:

ClinVar aggregate classification (germline): Uncertain significance (1 of 4 stars; one submission).

Conditions:
Werner syndrome (WRN). Identifiers: Orphanet 902, MedGen C0043119, MONDO:0010196, OMIM 277700.

Allele frequency attached by ClinVar (database versions not stated): ExAC 0.00001; gnomAD 0.00001; gnomAD exomes 0.00001 and 0.00002; TOPMed 0.00003; ESP Exome Variant Server 0.00008.
gnomAD v4.1: 15 of 1,613,948 alleles (0.00093%); highest among the groups gnomAD compares: African/African-American, 0.0053%; no homozygotes.

Submission:

Labcorp Genetics (formerly Invitae), Labcorp
Classification: Uncertain significance for Werner syndrome. Last evaluated: 2025-10-11. Review status: criteria provided, single submitter. Criteria: Invitae Variant Classification Sherloc (09022015). Collection method: clinical testing. Allele origin: germline.
Comment: This sequence change replaces histidine, which is basic and polar, with tyrosine, which is neutral and polar, at codon 1001 of the WRN protein (p.His1001Tyr). This variant is present in population databases (rs374413412, gnomAD 0.02%). This variant has not been reported in the literature in individuals affected with WRN-related conditions. ClinVar contains an entry for this variant (Variation ID: 403986). An algorithm developed to predict the effect of missense changes on protein structure and function (PolyPhen-2) suggests that this variant is likely to be disruptive. In summary, the available evidence is currently insufficient to determine the role of this variant in disease. Therefore, it has been classified as a Variant of Uncertain Significance.

NM_000553.6(WRN):c.3001C>T (p.His1001Tyr)

Gene: WRN (WRN RecQ like helicase; plus strand). Cytogenetic location: 8p12.
Variant type: single nucleotide variant.
Coding change: c.3001C>T on transcript NM_000553.6 (MANE Select); coding-DNA position 3001, C replaced by T.
Protein change: p.His1001Tyr; replaces histidine 1001 with tyrosine.
Molecular consequence: missense variant.
Genome position (GRCh38, 1-based): chr8:31,141,463, C>T. VCF-style: chr8-31141463-C-T. GRCh37 (hg19) VCF-style: chr8-30998979-C-T.
Other names: short protein forms H1001Y.
Identifiers: ClinVar variation 403986 (VCV000403986.8), dbSNP rs374413412, ClinGen allele CA4704918.
Genomic context (GRCh38, chr8:31,141,463, plus strand): 5'-AGATACTGATTTTATTCCTAATTTCAGAATTCTCAGCGTCTTGCCGATCAATATCGCAGG[C>T]ACAGTTTATTTGGCACTGGCAAGGATCAAACAGAGAGTTGGTGGAAGGCTTTTTCCCGTC-3'
Protein context (NP_000544.2, residues 991-1011): SQRLADQYRR[His1001Tyr]SLFGTGKDQT